The following is an entry in ClinVar:

ClinVar aggregate classification (germline): Uncertain significance. Review status: criteria provided, multiple submitters, no conflicts (2 of 4 stars). 5 submissions from 5 submitters: Uncertain significance (5). Last evaluated 2026-01-05.

Conditions:
Hereditary cancer-predisposing syndrome. Also called: Hereditary neoplastic syndrome; Tumor predisposition; Hereditary Cancer Syndrome; Neoplastic Syndromes, Hereditary. Identifiers: Orphanet 140162, MedGen C0027672, MeSH D009386, MONDO:0015356.
Isolated focal cortical dysplasia type II (FCORD2). Also called: CORTICAL DYSPLASIA OF TAYLOR; Focal cortical dysplasia type II. Identifiers: Orphanet 268994, MedGen C1846385, MONDO:0011818, OMIM 607341, HP:0032051.
Tuberous sclerosis syndrome (TSC). Also called: Tuberous sclerosis; Tuberous Sclerosis Complex. Identifiers: Orphanet 805, MedGen C0041341, MONDO:0001734.
Tuberous sclerosis 2 (TSC2). Identifiers: Orphanet 805, MedGen C1860707, MONDO:0013199, OMIM 613254.

Submissions (5):

Labcorp Genetics (formerly Invitae), Labcorp
Classification: Uncertain significance for Tuberous sclerosis 2. Last evaluated: 2026-01-05. Review status: criteria provided, single submitter. Criteria: Invitae Variant Classification Sherloc (09022015). Collection method: clinical testing. Allele origin: germline.
Comment: This sequence change replaces isoleucine, which is neutral and non-polar, with threonine, which is neutral and polar, at codon 530 of the TSC2 protein (p.Ile530Thr). This variant is not present in population databases (gnomAD no frequency). This variant has not been reported in the literature in individuals affected with TSC2-related conditions. ClinVar contains an entry for this variant (Variation ID: 1481581). Invitae Evidence Modeling of protein sequence and biophysical properties (such as structural, functional, and spatial information, amino acid conservation, physicochemical variation, residue mobility, and thermodynamic stability) indicates that this missense variant is not expected to disrupt TSC2 protein function with a negative predictive value of 95%. In summary, the available evidence is currently insufficient to determine the role of this variant in disease. Therefore, it has been classified as a Variant of Uncertain Significance.

CeGaT Center for Human Genetics Tuebingen
Classification: Uncertain significance. Last evaluated: 2024-01-01. Review status: criteria provided, single submitter. Criteria: CeGaT Center For Human Genetics Tuebingen Variant Classification Criteria Version 2. Collection method: clinical testing. Allele origin: germline. Affected: yes. Observed: 2 variant alleles.
Comment: TSC2: PM2

Baylor Genetics
Classification: Uncertain significance for Isolated focal cortical dysplasia type II. Last evaluated: 2023-07-07. Review status: criteria provided, single submitter. Criteria: ACMG Guidelines, 2015. Collection method: clinical testing. Allele origin: unknown.

All of Us Research Program, National Institutes of Health
Classification: Uncertain significance for Tuberous sclerosis syndrome. Last evaluated: 2023-06-26. Review status: criteria provided, single submitter. Criteria: ACMG Guidelines, 2015. Collection method: clinical testing. Allele origin: germline. Inheritance: Autosomal dominant inheritance. Observed: 1 variant allele, 1 heterozygote.
Comment: This missense variant replaces isoleucine with threonine at codon 530 of the TSC2 protein. Computational prediction is inconclusive regarding the impact of this variant on protein structure and function (internally defined REVEL score threshold 0.5 < inconclusive < 0.7, PMID: 27666373). To our knowledge, functional studies have not been reported for this variant. This variant has not been reported in individuals affected with TSC2-related disorders in the literature. This variant has not been identified in the general population by the Genome Aggregation Database (gnomAD). The available evidence is insufficient to determine the role of this variant in disease conclusively. Therefore, this variant is classified as a Variant of Uncertain Significance.

This study involves interpretation of variants in research participants for the purpose of population health screening. Participant phenotype was not available at the time of variant classification. Additional details can be found in publication PMID: 35346344, PMCID: PMC8962531

Ambry Genetics
Classification: Uncertain significance for Hereditary cancer-predisposing syndrome. Last evaluated: 2022-11-23. Review status: criteria provided, single submitter. Criteria: Ambry Variant Classification Scheme 2023. Collection method: clinical testing. Allele origin: germline.
Comment: The p.I530T variant (also known as c.1589T>C), located in coding exon 14 of the TSC2 gene, results from a T to C substitution at nucleotide position 1589. The isoleucine at codon 530 is replaced by threonine, an amino acid with similar properties. This amino acid position is conserved. In addition, this alteration is predicted to be deleterious by in silico analysis. Since supporting evidence is limited at this time, the clinical significance of this alteration remains unclear.

NM_000548.5(TSC2):c.1589T>C (p.Ile530Thr)

Gene: TSC2 (TSC complex subunit 2; plus strand). Cytogenetic location: 16p13.3.
Variant type: single nucleotide variant.
Coding change: c.1589T>C on transcript NM_000548.5 (MANE Select); coding-DNA position 1589, T replaced by C.
Protein change: p.Ile530Thr; replaces isoleucine 530 with threonine.
Molecular consequence: missense variant.
Genome position (GRCh38, 1-based): chr16:2,064,417, T>C. VCF-style: chr16-2064417-T-C. GRCh37 (hg19) VCF-style: chr16-2114418-T-C.
Other names: c.1589T>C, p.Ile530Thr (NM_001077183.3, NM_001114382.3, NM_001363528.2 and 3 more transcripts); c.1478T>C, p.Ile493Thr (NM_001318827.2); c.1442T>C, p.Ile481Thr (NM_001318829.2); c.989T>C, p.Ile330Thr (NM_001318831.2); c.1622T>C, p.Ile541Thr (NM_001318832.2); c.1589T>C (NM_000548.3); short protein forms I493T, I330T, I530T, I541T, I481T.
Identifiers: ClinVar variation 1481581 (VCV001481581.31), dbSNP rs2151191974, ClinGen allele CA394326747.
Genomic context (GRCh38, chr16:2,064,417, plus strand): 5'-AGTTGCTGGTGGACCTGGCAGAGGGCTGCCACACACACCACTTCAACAGCCTGCTGGACA[T>C]CATCGAGAAGGTGAGAGCCGTTGTACCCGGGGCCGGGTGCTAGCGTGCCAGAGCTCCGTG-3'
Protein context (NP_000539.2, residues 520-540): HTHHFNSLLD[Ile530Thr]IEKVMARSLS